The following is an entry in ClinVar:

ClinVar aggregate classification (germline): Pathogenic (1 of 4 stars; one submission).

Conditions:
Propionic acidemia (PROP). Also called: GLYCINEMIA, KETOTIC; HYPERGLYCINEMIA WITH KETOACIDOSIS AND LEUKOPENIA; KETOTIC HYPERGLYCINEMIA. Identifiers: Orphanet 35, MedGen C0268579, MONDO:0011628, OMIM 606054, HP:0003571.

Submission:

Women's Health and Genetics/Laboratory Corporation of America, LabCorp
Classification: Pathogenic for Propionic acidemia. Last evaluated: 2024-09-23. Review status: criteria provided, single submitter. Criteria: LabCorp Variant Classification Summary - May 2015. Collection method: clinical testing. Allele origin: germline.
Comment: Variant summary: The variant involves the deletion of exons 13-20 in the PCCA gene. A presumed nomenclature of c.(1065+1_1066-1)_(1845+1_1846-1)del has been designated for the purposes of this classification. This Copy Number Variant (CNV) is predicted to result in an in-frame deletion within this gene. The variant allele was found at a frequency of 4.6e-05 in 21694 control chromosomes. c.(1065+1_1066-1)_(1845+1_1846-1)del has been reported in the literature in at least 1 individual affected with Propionic Acidemia (example, Desviat_2009), however a second allele was not specified. These report(s) do not provide unequivocal conclusions about association of the variant with Propionic Acidemia. To our knowledge, no experimental evidence demonstrating an impact on protein function has been reported. Additionally, at least 1 missense variant in the overlapping deleted region (c.1268C>T, p.Pro423Leu) has been reported as pathogenic in ClinVar, suggesting that loss of these exons is deleterious. The following publication has been ascertained in the context of this evaluation (PMID: 19157943). ClinVar contains an entry for this variant (Variation ID: 832181). Based on the evidence outlined above, the variant was classified as pathogenic.

Literature cited by the submitters: PubMed 19157943.

NC_000013.10:g.(100925601_100953713)_(101077986_101101505)del

Gene: PCCA (propionyl-CoA carboxylase subunit alpha; plus strand). Cytogenetic location: 13q32.3.
Variant type: Deletion.
Identifiers: ClinVar variation 3375312 (VCV003375312.1).